The following is an entry in ClinVar:

NM_001271.4(CHD2):c.2865A>G (p.Ser955=)

Gene: CHD2 (chromodomain helicase DNA binding protein 2; plus strand). Cytogenetic location: 15q26.1.
Variant type: single nucleotide variant.
Coding change: c.2865A>G on transcript NM_001271.4 (MANE Select); coding-DNA position 2865, A replaced by G.
Protein change: p.Ser955=; no amino-acid change (serine 955 retained).
Molecular consequence: synonymous variant.
Genome position (GRCh38, 1-based): chr15:92,979,272, A>G. VCF-style: chr15-92979272-A-G. GRCh37 (hg19) VCF-style: chr15-93522502-A-G.
Identifiers: ClinVar variation 1638556 (VCV001638556.31), dbSNP rs769531663, ClinGen allele CA7748079.
Genomic context (GRCh38, chr15:92,979,272, plus strand): 5'-AGATCATCTGGTGATTCAGCGCATGGACACCACTGGCCGGACGATCCTGGAAAACAACTC[A>G]GGAAGGTCCAAGTAAGTGCCAGGAAGATTGGGAGGTAGGCAGAATCAAATTGATTCTACA-3'
Protein context (NP_001262.3, residues 945-965): TTGRTILENN[Ser955=]GRSNSNPFNK

ClinVar aggregate classification (germline): Likely benign. Review status: criteria provided, multiple submitters, no conflicts (2 of 4 stars). 2 submissions from 2 submitters: Likely benign (2). Last evaluated 2024-11-01.

Conditions:
Developmental and epileptic encephalopathy 94 (DEE94). Also called: CHD2-Related Neurodevelopmental Disorders; Epileptic encephalopathy, childhood-onset. Identifiers: Orphanet 1942, Orphanet 2382, MedGen C3809278, MONDO:0014150, OMIM 615369.

Allele frequency attached by ClinVar (database versions not stated): gnomAD exomes 0.00001; ExAC 0.00002.
gnomAD v4.1: 7 of 1,613,984 alleles (0.00043%); highest among the groups gnomAD compares: African/African-American, 0.0013%; no homozygotes.

Submissions (2):

CeGaT Center for Human Genetics Tuebingen
Classification: Likely benign. Last evaluated: 2024-11-01. Review status: criteria provided, single submitter. Criteria: CeGaT Center For Human Genetics Tuebingen Variant Classification Criteria Version 2. Collection method: clinical testing. Allele origin: germline. Affected: yes. Observed: 1 variant allele.
Comment: CHD2: BP4, BP7

Labcorp Genetics (formerly Invitae), Labcorp
Classification: Likely benign for Developmental and epileptic encephalopathy 94. Last evaluated: 2024-09-24. Review status: criteria provided, single submitter. Criteria: Invitae Variant Classification Sherloc (09022015). Collection method: clinical testing. Allele origin: germline.